The following is an entry in ClinVar:

NM_033100.4(CDHR1):c.958_963+2dup

Gene: CDHR1 (cadherin related family member 1; plus strand). Cytogenetic location: 10q23.1.
Variant type: Duplication.
Coding change: c.958_963+2dup on transcript NM_033100.4 (MANE Select); coding-DNA position 958 through the canonical splice donor site of the intron after coding-DNA position 963, 8 bases duplicated (GTACAGGT; older notation c.958_963+2dupGTACAGGT).
Molecular consequence: splice donor variant.
Genome position (GRCh38, 1-based): chr10:84,205,922-84,205,929, GTACAGGT duplicated; duplicating any 8 consecutive bases within chr10:84,205,921-84,205,929 gives the same sequence; the c. name uses the placement nearest the transcript's 3' end. VCF-style (leftmost placement, unchanged base first): chr10-84205920-A-ATGTACAGG. GRCh37 (hg19) VCF-style: chr10-85965676-A-ATGTACAGG.
Other names: c.958_963+2dup (NM_001171971.3).
Identifiers: ClinVar variation 1510561 (VCV001510561.7), dbSNP rs2132814843, ClinGen allele CA2573145809.

ClinVar aggregate classification (germline): Uncertain significance. Review status: criteria provided, multiple submitters, no conflicts (2 of 4 stars). 2 submissions from 2 submitters: Uncertain significance (2). Last evaluated 2024-07-08.

Submissions (2):

Blueprint Genetics
Classification: Uncertain significance. Last evaluated: 2024-07-08. Review status: criteria provided, single submitter. Criteria: ACMG Guidelines, 2015. Collection method: clinical testing. Allele origin: germline.

Labcorp Genetics (formerly Invitae), Labcorp
Classification: Uncertain significance. Last evaluated: 2021-02-15. Review status: criteria provided, single submitter. Criteria: Invitae Variant Classification Sherloc (09022015). Collection method: clinical testing. Allele origin: germline.
Comment: In summary, the available evidence is currently insufficient to determine the role of this variant in disease. Therefore, it has been classified as a Variant of Uncertain Significance. Nucleotide substitutions within the consensus splice site are a relatively common cause of aberrant splicing (PMID: 17576681, 9536098). Algorithms developed to predict the effect of sequence changes on RNA splicing suggest that this variant may disrupt the consensus splice site, but this prediction has not been confirmed by published transcriptional studies. This variant has not been reported in the literature in individuals with CDHR1-related conditions. This variant is not present in population databases (ExAC no frequency). This sequence change falls in intron 10 of the CDHR1 gene. It does not directly change the encoded amino acid sequence of the CDHR1 protein. It affects a nucleotide within the consensus splice site of the intron.

Literature cited by the submitters: PubMed 17576681 (cited by Labcorp Genetics (formerly Invitae), Labcorp); PubMed 9536098 (cited by Labcorp Genetics (formerly Invitae), Labcorp).